The following is an entry in ClinVar:

ClinVar aggregate classification (germline): Uncertain significance (1 of 4 stars; one submission).

Conditions:
Monocytopenia with susceptibility to infections. Also called: MONOCYTOPENIA AND MYCOBACTERIAL INFECTION SYNDROME; MONOCYTOPENIA WITH SUSCEPTIBILITY TO MYCOBACTERIAL, FUNGAL, AND PAPILLOMAVIRUS INFECTIONS AND MYELODYSPLASIA; COMBINED IMMUNODEFICIENCY WITH SUSCEPTIBILITY TO MYCOBACTERIAL, VIRAL, AND FUNGAL INFECTIONS; Dendritic cell, monocyte, B lymphocyte, and natural killer lymphocyte deficiency; IMMUNODEFICIENCY 21; GATA2 DEFICIENCY. Identifiers: Orphanet 228423, MedGen C3280030, MONDO:0013607, OMIM 614172.
Deafness-lymphedema-leukemia syndrome. Also called: Lymphedema, primary, with myelodysplasia; Emberger syndrome. Identifiers: Orphanet 3226, MedGen C3279664, MONDO:0013540, OMIM 614038.

Submission:

Labcorp Genetics (formerly Invitae), Labcorp
Classification: Uncertain significance for Monocytopenia with susceptibility to infections; Deafness-lymphedema-leukemia syndrome. Last evaluated: 2024-08-05. Review status: criteria provided, single submitter. Criteria: Invitae Variant Classification Sherloc (09022015). Collection method: clinical testing. Allele origin: germline.
Comment: This sequence change replaces threonine, which is neutral and polar, with serine, which is neutral and polar, at codon 457 of the GATA2 protein (p.Thr457Ser). This variant is not present in population databases (gnomAD no frequency). This variant has not been reported in the literature in individuals affected with GATA2-related conditions. ClinVar contains an entry for this variant (Variation ID: 1718178). Advanced modeling of protein sequence and biophysical properties (such as structural, functional, and spatial information, amino acid conservation, physicochemical variation, residue mobility, and thermodynamic stability) has been performed at Invitae for this missense variant, however the output from this modeling did not meet the statistical confidence thresholds required to predict the impact of this variant on GATA2 protein function. In summary, the available evidence is currently insufficient to determine the role of this variant in disease. Therefore, it has been classified as a Variant of Uncertain Significance.

NM_032638.5(GATA2):c.1369A>T (p.Thr457Ser)

Gene: GATA2 (GATA binding protein 2; minus strand). Cytogenetic location: 3q21.3.
Variant type: single nucleotide variant.
Coding change: c.1369A>T on transcript NM_032638.5 (MANE Select); coding-DNA position 1369, A replaced by T.
Protein change: p.Thr457Ser; replaces threonine 457 with serine.
Molecular consequence: missense variant.
Genome position (GRCh38, 1-based): chr3:128,481,093, T>A on the plus strand (A>T on the coding strand, the complement: GATA2 is on the minus strand). VCF-style: chr3-128481093-T-A. GRCh37 (hg19) VCF-style: chr3-128199936-T-A.
Other names: c.1369A>T, p.Thr457Ser (NM_001145661.2); c.1327A>T, p.Thr443Ser (NM_001145662.1); short protein forms T443S, T457S.
Identifiers: ClinVar variation 1718178 (VCV001718178.5), dbSNP rs2472918429, ClinGen allele CA354412614.